The following is an entry in ClinVar:

NM_000088.4(COL1A1):c.3680G>A (p.Arg1227His)

Gene: COL1A1 (collagen type I alpha 1 chain; minus strand). Cytogenetic location: 17q21.33.
Variant type: single nucleotide variant.
Coding change: c.3680G>A on transcript NM_000088.4 (MANE Select); coding-DNA position 3680, G replaced by A.
Protein change: p.Arg1227His; replaces arginine 1227 with histidine.
Molecular consequence: missense variant.
Genome position (GRCh38, 1-based): chr17:50,186,774, C>T on the plus strand (G>A on the coding strand, the complement: COL1A1 is on the minus strand). VCF-style: chr17-50186774-C-T. GRCh37 (hg19) VCF-style: chr17-48264135-C-T.
Other names: short protein forms R1227H.
Identifiers: ClinVar variation 426558 (VCV000426558.21), dbSNP rs543809032, ClinGen allele CA8644376.

ClinVar aggregate classification (germline): Conflicting classifications of pathogenicity. Review status: criteria provided, conflicting classifications (1 of 4 stars). 6 submissions from 6 submitters: Uncertain significance (2); Likely benign (4). Last evaluated 2026-09-10.

Conditions:
COL1A1-related disorder. Also called: COL1A1-related condition; COL1A1- related disease.
Cardiovascular phenotype. Identifiers: MedGen CN230736.
Osteogenesis imperfecta type I (OI1). Also called: OI, TYPE I; OSTEOGENESIS IMPERFECTA TARDA; OSTEOGENESIS IMPERFECTA WITH BLUE SCLERAE; Osteogenesis imperfecta type 1; Classic Non-deforming Osteogenesis Imperfecta with Blue Sclerae; Lobstein's Disease. Identifiers: Orphanet 216796, Orphanet 666, MedGen C0023931, MONDO:0008146, OMIM 166200. Disease mechanism: loss of function.

Allele frequency attached by ClinVar (database versions not stated): gnomAD 0.00002 and 0.00003; ExAC 0.00003; gnomAD exomes 0.00003 and 0.00004; TOPMed 0.00010; 1000 Genomes Project 30x 0.00016; 1000 Genomes Project 0.00020.
gnomAD v4.1: 49 of 1,614,050 alleles (0.003%); highest among the groups gnomAD compares: Admixed American, 0.01%; no homozygotes.

Submissions (6):

PreventionGenetics, part of Exact Sciences
Classification: Uncertain significance for COL1A1-related condition. Last evaluated: 2026-09-10. Review status: criteria provided, single submitter. Criteria: ACMG Guidelines, 2015. Collection method: clinical testing. Allele origin: germline.
Comment: The COL1A1 c.3680G>A variant is predicted to result in the amino acid substitution p.Arg1227His. To our knowledge, this variant has not been reported in the literature. This variant is reported in 0.012% of alleles in individuals of African descent in gnomAD. Although we suspect that this variant may be benign, at this time, the clinical significance of this variant is uncertain due to the absence of conclusive functional and genetic evidence.

Labcorp Genetics (formerly Invitae), Labcorp
Classification: Likely benign for Osteogenesis imperfecta type I. Last evaluated: 2025-06-25. Review status: criteria provided, single submitter. Criteria: Invitae Variant Classification Sherloc (09022015). Collection method: clinical testing. Allele origin: germline.

Ambry Genetics
Classification: Uncertain significance for Cardiovascular phenotype. Last evaluated: 2024-01-02. Review status: criteria provided, single submitter. Criteria: Ambry Variant Classification Scheme 2023. Collection method: clinical testing. Allele origin: germline.
Comment: The p.R1227H variant (also known as c.3680G>A), located in coding exon 48 of the COL1A1 gene, results from a G to A substitution at nucleotide position 3680. The arginine at codon 1227 is replaced by histidine, an amino acid with highly similar properties. This amino acid position is well conserved in available vertebrate species. In addition, the in silico prediction for this alteration is inconclusive. Since supporting evidence is limited at this time, the clinical significance of this alteration remains unclear.

Women's Health and Genetics/Laboratory Corporation of America, LabCorp
Classification: Likely benign. Last evaluated: 2023-12-01. Review status: criteria provided, single submitter. Criteria: LabCorp Variant Classification Summary - May 2015. Collection method: clinical testing. Allele origin: germline.
Comment: Variant summary: COL1A1 c.3680G>A (p.Arg1227His) results in a non-conservative amino acid change in the encoded protein sequence. Three of five in-silico tools predict a benign effect of the variant on protein function. The variant allele was found at a frequency of 3.5e-05 in 282806 control chromosomes. The observed variant frequency is approximately 1.26 fold of the estimated maximal expected allele frequency for a pathogenic variant in COL1A1 causing Osteogenesis Imperfecta phenotype (2.8e-05), strongly suggesting that the variant is benign. To our knowledge, no occurrence of c.3680G>A in individuals affected with Osteogenesis Imperfecta and no experimental evidence demonstrating its impact on protein function have been reported. Three submitters have cited clinical-significance assessments for this variant to ClinVar after 2014; one submitter classified it as uncertain significance, while two submitters classified it as likley benign. Based on the evidence outlined above, the variant was classified as likely benign.

GeneDx
Classification: Likely benign. Last evaluated: 2019-01-07. Review status: criteria provided, single submitter. Criteria: GeneDx Variant Classification Process June 2021. Collection method: clinical testing. Allele origin: germline. Affected: yes.

Breakthrough Genomics
Classification: Likely benign. Review status: criteria provided, single submitter. Criteria: ACMG Guidelines, 2015. Collection method: not provided. Allele origin: germline. Inheritance: Autosomal dominant inheritance. Affected: yes.